The following is an entry in ClinVar:

NM_006922.4(SCN3A):c.2291T>A (p.Leu764His)

Gene: SCN3A (sodium voltage-gated channel alpha subunit 3; minus strand). Cytogenetic location: 2q24.3.
Variant type: single nucleotide variant.
Coding change: c.2291T>A on transcript NM_006922.4 (MANE Select); coding-DNA position 2291, T replaced by A.
Protein change: p.Leu764His; replaces leucine 764 with histidine.
Molecular consequence: missense variant.
Genome position (GRCh38, 1-based): chr2:165,137,979, A>T on the plus strand (T>A on the coding strand, the complement: SCN3A is on the minus strand). VCF-style: chr2-165137979-A-T. GRCh37 (hg19) VCF-style: chr2-165994489-A-T.
Other names: c.2144T>A, p.Leu715His (NM_001081676.2, NM_001081677.2); short protein forms L715H, L764H.
Identifiers: ClinVar variation 857075 (VCV000857075.10), dbSNP rs1687768022, ClinGen allele CA349045161.

ClinVar aggregate classification (germline): Uncertain significance. Review status: criteria provided, multiple submitters, no conflicts (2 of 4 stars). 2 submissions from 2 submitters: Uncertain significance (2). Last evaluated 2026-07-16.

Conditions:
Developmental and epileptic encephalopathy, 62. Also called: Early infantile epileptic encephalopathy 62. Identifiers: MedGen C4693699, MONDO:0033371, OMIM 617938.

Submissions (2):

Institute of Human Genetics, University of Leipzig Medical Center
Classification: Uncertain significance for Developmental and epileptic encephalopathy, 62. Last evaluated: 2026-07-16. Review status: criteria provided, single submitter. Criteria: ACMG Guidelines, 2015. Collection method: clinical testing. Allele origin: unknown. Affected: yes.
Comment: Criteria applied: PP3_MOD,PM2_SUP

Labcorp Genetics (formerly Invitae), Labcorp
Classification: Uncertain significance. Last evaluated: 2019-05-20. Review status: criteria provided, single submitter. Criteria: Invitae Variant Classification Sherloc (09022015). Collection method: clinical testing. Allele origin: germline.
Comment: This variant is not present in population databases (ExAC no frequency). This sequence change replaces leucine with histidine at codon 764 of the SCN3A protein (p.Leu764His). The leucine residue is highly conserved and there is a moderate physicochemical difference between leucine and histidine. This variant has not been reported in the literature in individuals with SCN3A-related conditions. In summary, the available evidence is currently insufficient to determine the role of this variant in disease. Therefore, it has been classified as a Variant of Uncertain Significance. Algorithms developed to predict the effect of missense changes on protein structure and function (SIFT, PolyPhen-2, Align-GVGD) all suggest that this variant is likely to be disruptive, but these predictions have not been confirmed by published functional studies and their clinical significance is uncertain.